The following is an entry in ClinVar:

NM_017514.5(PLXNA3):c.1888G>A (p.Gly630Ser)

Gene: PLXNA3 (plexin A3; plus strand). Cytogenetic location: Xq28.
Variant type: single nucleotide variant.
Coding change: c.1888G>A on transcript NM_017514.5 (MANE Select); coding-DNA position 1888, G replaced by A.
Protein change: p.Gly630Ser; replaces glycine 630 with serine.
Molecular consequence: missense variant.
Genome position (GRCh38, 1-based): chrX:154,464,461, G>A. VCF-style: chrX-154464461-G-A. GRCh37 (hg19) VCF-style: chrX-153692804-G-A.
Other names: short protein forms G630S.
Identifiers: ClinVar variation 2634129 (VCV002634129.4), dbSNP rs781946606, ClinGen allele CA10564205.
Genomic context (GRCh38, chrX:154,464,461, plus strand): 5'-GGGGCCACCCGCACTGTGCGGCTGCAGCTTCTCTCCAAGGAGACAGGCGTGAGGTTTGCC[G>A]GTGCTGACTTTGTCTTCTACAACTGCAGCGTCCTCCAGTCGTGAGTACCTGGCCAGCACC-3'
Protein context (NP_059984.3, residues 620-640): LSKETGVRFA[Gly630Ser]ADFVFYNCSV

ClinVar aggregate classification (germline): Likely benign (1 of 4 stars; one submission).

Conditions:
PLXNA3-related disorder. Also called: PLXNA3-related condition.

Allele frequency attached by ClinVar (database versions not stated): ExAC 0.00012; 1000 Genomes Project 30x 0.00021; 1000 Genomes Project 0.00026.
gnomAD v4.1: 112 of 1,209,490 alleles (0.0093%); highest among the groups gnomAD compares: Admixed American, 0.048%; no homozygotes.

Submission:

PreventionGenetics, part of Exact Sciences
Classification: Likely benign for PLXNA3-related condition. Last evaluated: 2026-08-03. Review status: criteria provided, single submitter. Criteria: ACMG Guidelines, 2015. Collection method: clinical testing. Allele origin: germline.
Comment: This variant is classified as likely benign based on ACMG/AMP sequence variant interpretation guidelines (Richards et al. 2015 PMID: 25741868, with internal and published modifications).